The following is an entry in ClinVar:

NM_152296.5(ATP1A3):c.2971_2976del (p.Tyr991_Asp992del)

Gene: ATP1A3 (ATPase Na+/K+ transporting subunit alpha 3; minus strand). Cytogenetic location: 19q13.2.
Variant type: Deletion.
Coding change: c.2971_2976del on transcript NM_152296.5 (MANE Select); coding-DNA positions 2971 to 2976, 6 bases deleted (TACGAC; older notation c.2971_2976delTACGAC).
Protein change: p.Tyr991_Asp992del.
Molecular consequence: inframe deletion.
Genome position (GRCh38, 1-based): chr19:41,967,286-41,967,291, GTCGTA deleted on the plus strand (TACGAC on the coding strand, the reverse complement: ATP1A3 is on the minus strand); deleting any 6 consecutive bases within chr19:41,967,286-41,967,292 gives the same sequence; the c. name uses the placement nearest the transcript's 3' end. VCF-style (leftmost placement, unchanged base first): chr19-41967285-CGTCGTA-C. GRCh37 (hg19) VCF-style: chr19-42471437-CGTCGTA-C.
Other names: c.3004_3009del, p.Tyr1002_Asp1003del (NM_001256213.2); c.3010_3015del, p.Tyr1004_Asp1005del (NM_001256214.2).
Identifiers: ClinVar variation 1425013 (VCV001425013.6), dbSNP rs2145941324, ClinGen allele CA2573156402.

ClinVar aggregate classification (germline): Uncertain significance (1 of 4 stars; one submission).

Conditions:
Dystonia 12 (DYT12). Also called: DYT-ATP1A3; Rapid-Onset Dystonia-Parkinsonism (RDP). Identifiers: Orphanet 71517, MedGen C1868681, MONDO:0007496, OMIM 128235.

Submission:

Labcorp Genetics (formerly Invitae), Labcorp
Classification: Uncertain significance for Dystonia 12. Last evaluated: 2021-12-02. Review status: criteria provided, single submitter. Criteria: Invitae Variant Classification Sherloc (09022015). Collection method: clinical testing. Allele origin: germline.
Comment: In summary, the available evidence is currently insufficient to determine the role of this variant in disease. Therefore, it has been classified as a Variant of Uncertain Significance. Experimental studies and prediction algorithms are not available or were not evaluated, and the functional significance of this variant is currently unknown. This variant has not been reported in the literature in individuals affected with ATP1A3-related conditions. This variant is not present in population databases (gnomAD no frequency). This variant, c.2971_2976del, results in the deletion of 2 amino acid(s) of the ATP1A3 protein (p.Tyr991_Asp992del), but otherwise preserves the integrity of the reading frame.